The following is an entry in ClinVar:

NM_003334.4(UBA1):c.2782A>G (p.Asn928Asp)

Gene: UBA1 (ubiquitin like modifier activating enzyme 1; plus strand). Cytogenetic location: Xp11.3.
Variant type: single nucleotide variant.
Coding change: c.2782A>G on transcript NM_003334.4 (MANE Select); coding-DNA position 2782, A replaced by G.
Protein change: p.Asn928Asp; replaces asparagine 928 with aspartic acid.
Molecular consequence: missense variant.
Genome position (GRCh38, 1-based): chrX:47,213,125, A>G. VCF-style: chrX-47213125-A-G. GRCh37 (hg19) VCF-style: chrX-47072524-A-G.
Other names: c.2824A>G, p.Asn942Asp (NM_001440807.1); c.2800A>G, p.Asn934Asp (NM_001440809.1, NM_001440810.1); c.2782A>G, p.Asn928Asp (NM_001440811.1, NM_001440812.1, NM_153280.3); short protein forms N934D, N928D, N942D.
Identifiers: ClinVar variation 4728474 (VCV004728474.1).

ClinVar aggregate classification (germline): Uncertain significance (1 of 4 stars; one submission).

Conditions:
Infantile-onset X-linked spinal muscular atrophy. Also called: SPINAL MUSCULAR ATROPHY, X-LINKED LETHAL INFANTILE; AMC, DISTAL, X-LINKED; ARTHROGRYPOSIS, X-LINKED, TYPE I; Spinal Muscular Atrophy, X-Linked Infantile; Spinal muscular atrophy, X-linked 2. Identifiers: Orphanet 1145, MedGen C1844934, MONDO:0010532, OMIM 301830.

Submission:

Labcorp Genetics (formerly Invitae), Labcorp
Classification: Uncertain significance for Infantile-onset X-linked spinal muscular atrophy. Last evaluated: 2025-10-05. Review status: criteria provided, single submitter. Criteria: Invitae Variant Classification Sherloc (09022015). Collection method: clinical testing. Allele origin: germline.
Comment: This sequence change replaces asparagine, which is neutral and polar, with aspartic acid, which is acidic and polar, at codon 928 of the UBA1 protein (p.Asn928Asp). This variant is not present in population databases (gnomAD no frequency). This variant has not been reported in the literature in individuals affected with UBA1-related conditions. An algorithm developed to predict the effect of missense changes on protein structure and function (PolyPhen-2) suggests that this variant is likely to be disruptive. In summary, the available evidence is currently insufficient to determine the role of this variant in disease. Therefore, it has been classified as a Variant of Uncertain Significance.